The following is an entry in ClinVar:

NM_017636.4(TRPM4):c.1214G>A (p.Arg405His)

Gene: TRPM4 (transient receptor potential cation channel subfamily M member 4; plus strand). Cytogenetic location: 19q13.33.
Variant type: single nucleotide variant.
Coding change: c.1214G>A on transcript NM_017636.4 (MANE Select); coding-DNA position 1214, G replaced by A.
Protein change: p.Arg405His; replaces arginine 405 with histidine.
Molecular consequence: missense variant. On other transcripts: 5 prime UTR variant (1), intron variant (1).
Genome position (GRCh38, 1-based): chr19:49,181,412, G>A. VCF-style: chr19-49181412-G-A. GRCh37 (hg19) VCF-style: chr19-49684669-G-A.
Other names: c.1214G>A (NM_017636.3); c.1214G>A, p.Arg405His (NM_001195227.2); c.869G>A, p.Arg290His (NM_001321281.2); c.-340G>A (NM_001321282.2); c.692G>A, p.Arg231His (NM_001321283.2); c.202-1166G>A (NM_001321285.2); short protein forms R231H, R405H, R290H.
Identifiers: ClinVar variation 2724308 (VCV002724308.4), dbSNP rs752951205, ClinGen allele CA9569123.
Genomic context (GRCh38, chr19:49,181,412, plus strand): 5'-GTGGGAGCTCGGAGGCCTCAGCCTACCTGGATGAGCTGCGTTTGGCTGTGGCTTGGAACC[G>A]CGTGGACATTGCCCAGAGTGAACTCTTTCGGGGGGACATCCAATGGCGGGTGAGGGGTCA-3'
Protein context (NP_060106.2, residues 395-415): DELRLAVAWN[Arg405His]VDIAQSELFR

ClinVar aggregate classification (germline): Uncertain significance. Review status: criteria provided, multiple submitters, no conflicts (2 of 4 stars). 2 submissions from 2 submitters: Uncertain significance (2). Last evaluated 2025-12-26.

Conditions:
Cardiovascular phenotype. Identifiers: MedGen CN230736.
Progressive familial heart block type IB (PFHB1B). Identifiers: Orphanet 871, MedGen C1970298, MONDO:0011474, OMIM 604559.

Allele frequency attached by ClinVar (database versions not stated): gnomAD 0.00001; ExAC 0.00002.

Submissions (2):

Ambry Genetics
Classification: Uncertain significance for Cardiovascular phenotype. Last evaluated: 2025-12-26. Review status: criteria provided, single submitter. Criteria: Ambry Variant Classification Scheme 2023. Collection method: clinical testing. Allele origin: germline.
Comment: The p.R405H variant (also known as c.1214G>A), located in coding exon 10 of the TRPM4 gene, results from a G to A substitution at nucleotide position 1214. The arginine at codon 405 is replaced by histidine, an amino acid with highly similar properties. This amino acid position is conserved. In addition, the in silico prediction for this alteration is inconclusive. Based on the available evidence, the clinical significance of this variant remains unclear.

Labcorp Genetics (formerly Invitae), Labcorp
Classification: Uncertain significance for Progressive familial heart block type IB. Last evaluated: 2024-12-04. Review status: criteria provided, single submitter. Criteria: Invitae Variant Classification Sherloc (09022015). Collection method: clinical testing. Allele origin: germline.
Comment: This sequence change replaces arginine, which is basic and polar, with histidine, which is basic and polar, at codon 405 of the TRPM4 protein (p.Arg405His). This variant is present in population databases (rs752951205, gnomAD 0.006%). This variant has not been reported in the literature in individuals affected with TRPM4-related conditions. ClinVar contains an entry for this variant (Variation ID: 2724308). An algorithm developed to predict the effect of missense changes on protein structure and function (PolyPhen-2) suggests that this variant is likely to be disruptive. In summary, the available evidence is currently insufficient to determine the role of this variant in disease. Therefore, it has been classified as a Variant of Uncertain Significance.